The following is an entry in ClinVar:

NM_024537.4(CARS2):c.744C>T (p.Pro248=)

Gene: CARS2 (cysteinyl-tRNA synthetase 2, mitochondrial; minus strand). Cytogenetic location: 13q34.
Variant type: single nucleotide variant.
Coding change: c.744C>T on transcript NM_024537.4 (MANE Select); coding-DNA position 744, C replaced by T.
Protein change: p.Pro248=; no amino-acid change (proline 248 retained).
Molecular consequence: synonymous variant. On other transcripts: 5 prime UTR variant (1), non-coding transcript variant (2).
Genome position (GRCh38, 1-based): chr13:110,677,015, G>A on the plus strand (C>T on the coding strand, the complement: CARS2 is on the minus strand). VCF-style: chr13-110677015-G-A. GRCh37 (hg19) VCF-style: chr13-111329362-G-A.
Other names: c.-43C>T (NM_001352252.2); c.744C>T, p.Pro248= (NM_001352253.3).
Identifiers: ClinVar variation 512655 (VCV000512655.3), dbSNP rs747726067, ClinGen allele CA7052093.
Genomic context (GRCh38, chr13:110,677,015, plus strand): 5'-GAAGCGGCAGGCACCTTACCTAGCGATGGCAGAGCACTCGATGTGCCAGCCCGGCCTCCC[G>A]GGTCCCCAGGGAGAGGCCCAGAACACCTCCTGGGGTTTGGCCGCCTTCCACAGGGCGAAG-3'
Protein context (NP_078813.1, residues 238-258): QEVFWASPWG[Pro248=]GRPGWHIECS

ClinVar aggregate classification (germline): Likely benign. Review status: criteria provided, multiple submitters, no conflicts (2 of 4 stars). 2 submissions from 2 submitters: Likely benign (2). Last evaluated 2024-08-28.

Conditions:
Combined oxidative phosphorylation defect type 27. Also called: Combined oxidative phosphorylation deficiency 27. Identifiers: Orphanet 477774, MedGen C5567608, MONDO:0014728, OMIM 616672.

Allele frequency attached by ClinVar (database versions not stated): ExAC 0.00001; gnomAD 0.00001; gnomAD exomes 0.00001; TOPMed 0.00001.
gnomAD v4.1: 14 of 1,601,966 alleles (0.00087%); highest among the groups gnomAD compares: South Asian, 0.0055%; no homozygotes.

Submissions (2):

Labcorp Genetics (formerly Invitae), Labcorp
Classification: Likely benign for Combined oxidative phosphorylation defect type 27. Last evaluated: 2024-08-28. Review status: criteria provided, single submitter. Criteria: Invitae Variant Classification Sherloc (09022015). Collection method: clinical testing. Allele origin: germline.

GeneDx
Classification: Likely benign. Last evaluated: 2017-10-31. Review status: criteria provided, single submitter. Criteria: GeneDx Variant Classification (06012015). Collection method: clinical testing. Allele origin: germline. Affected: yes.
Comment: This variant is considered likely benign or benign based on one or more of the following criteria: it is a conservative change, it occurs at a poorly conserved position in the protein, it is predicted to be benign by multiple in silico algorithms, and/or has population frequency not consistent with disease.